The following is an entry in ClinVar:

ClinVar aggregate classification (germline): Uncertain significance. Review status: criteria provided, multiple submitters, no conflicts (2 of 4 stars). 5 submissions from 5 submitters: Uncertain significance (4). 1 of the submissions does not count toward it. Last evaluated 2025-03-17.

Conditions:
Inborn genetic diseases. Identifiers: MedGen C0950123, MeSH D030342.
TTC8-related disorder. Also called: TTC8-related condition.
Retinitis pigmentosa 51 (RP51). Identifiers: Orphanet 791, MedGen C3150715, MONDO:0013274, OMIM 613464.
Bardet-Biedl syndrome 8 (BBS8). Identifiers: Orphanet 110, MedGen C1859566, MONDO:0014436, OMIM 615985.
Bardet-Biedl syndrome (BBS). Identifiers: Orphanet 110, MedGen C0752166, MONDO:0015229.

Allele frequency attached by ClinVar (database versions not stated): TOPMed 0.00001; gnomAD 0.00002; gnomAD exomes 0.00002.
gnomAD v4.1: 26 of 1,613,982 alleles (0.0016%); highest among the groups gnomAD compares: Non-Finnish European, 0.002%; no homozygotes.

Submissions (5):

Labcorp Genetics (formerly Invitae), Labcorp
Classification: Uncertain significance for Bardet-Biedl syndrome. Last evaluated: 2025-03-17. Review status: criteria provided, single submitter. Criteria: Invitae Variant Classification Sherloc (09022015). Collection method: clinical testing. Allele origin: germline.
Comment: This sequence change replaces alanine, which is neutral and non-polar, with threonine, which is neutral and polar, at codon 98 of the TTC8 protein (p.Ala98Thr). This variant is not present in population databases (gnomAD no frequency). This variant has not been reported in the literature in individuals affected with TTC8-related conditions. ClinVar contains an entry for this variant (Variation ID: 1487146). Invitae Evidence Modeling of protein sequence and biophysical properties (such as structural, functional, and spatial information, amino acid conservation, physicochemical variation, residue mobility, and thermodynamic stability) indicates that this missense variant is not expected to disrupt TTC8 protein function with a negative predictive value of 80%. In summary, the available evidence is currently insufficient to determine the role of this variant in disease. Therefore, it has been classified as a Variant of Uncertain Significance.

Ambry Genetics
Classification: Uncertain significance for Inborn genetic diseases. Last evaluated: 2025-02-09. Review status: criteria provided, single submitter. Criteria: Ambry Variant Classification Scheme 2023. Collection method: clinical testing. Allele origin: germline.

Fulgent Genetics
Classification: Uncertain significance for Retinitis pigmentosa 51; Bardet-Biedl syndrome 8. Last evaluated: 2024-04-20. Review status: criteria provided, single submitter. Criteria: ACMG Guidelines, 2015. Collection method: clinical testing. Allele origin: germline.

Blueprint Genetics
Classification: Uncertain significance. Last evaluated: 2019-06-29. Review status: criteria provided, single submitter. Criteria: ACMG Guidelines, 2015. Collection method: clinical testing. Allele origin: germline.

PreventionGenetics, part of Exact Sciences
Classification: Uncertain significance for TTC8-related condition. Last evaluated: 2024-01-03. Review status: no assertion criteria provided. Collection method: clinical testing. Allele origin: germline. Not counted in ClinVar's aggregate classification.
Comment: The TTC8 c.322G>A variant is predicted to result in the amino acid substitution p.Ala108Thr. To our knowledge, this variant has not been reported in the literature or in a large population database, indicating this variant is rare. At this time, the clinical significance of this variant is uncertain due to the absence of conclusive functional and genetic evidence.

NM_144596.4(TTC8):c.322G>A (p.Ala108Thr)

Gene: TTC8 (tetratricopeptide repeat domain 8; plus strand). Cytogenetic location: 14q31.3.
Variant type: single nucleotide variant.
Coding change: c.322G>A on transcript NM_144596.4 (MANE Select); coding-DNA position 322, G replaced by A.
Protein change: p.Ala108Thr; replaces alanine 108 with threonine.
Molecular consequence: missense variant. On other transcripts: 5 prime UTR variant (2), non-coding transcript variant (1).
Genome position (GRCh38, 1-based): chr14:88,840,921, G>A. VCF-style: chr14-88840921-G-A. GRCh37 (hg19) VCF-style: chr14-89307265-G-A.
Other names: c.292G>A, p.Ala98Thr (NM_001288781.1, NM_001366535.2, NM_001366536.2 and 2 more transcripts); c.-271G>A (NM_001288782.1); c.-366G>A (NM_001288783.1); c.322G>A (NM_144596.3); c.292G>A (NM_198309.2); short protein forms A108T, A98T.
Identifiers: ClinVar variation 1487146 (VCV001487146.12), dbSNP rs1000702394, ClinGen allele CA264583234.